The following is an entry in ClinVar:

NM_000346.4(SOX9):c.1100dup (p.Gln368fs)

Gene: SOX9 (SRY-box transcription factor 9; plus strand). Cytogenetic location: 17q24.3.
Variant type: Duplication.
Coding change: c.1100dup on transcript NM_000346.4 (MANE Select); coding-DNA position 1100, one base duplicated (C; older notation c.1100dupC).
Protein change: p.Gln368fs; shifts the reading frame from glutamine 368.
Molecular consequence: frameshift variant.
Genome position (GRCh38, 1-based): chr17:72,123,957, C duplicated; the last of 5 consecutive C bases (chr17:72,123,953-72,123,957); duplicating any one gives the same sequence. VCF-style (leftmost placement, unchanged base first): chr17-72123952-G-GC. GRCh37 (hg19) VCF-style: chr17-70120093-G-GC.
Other names: c.1100dupC (NM_000346.3); short protein forms Q368fs.
Identifiers: ClinVar variation 504084 (VCV000504084.2), dbSNP rs1555629370, ClinGen allele CA658798969.
Genomic context (GRCh38, chr17:72,123,952, plus strand): 5'-CCCGCAGCAGCCCCCACAGGCCCCGCCGGCCCCGCAGGCGCCCCCGCAGCCGCAGGCGGC[G>GC]CCCCCACAGCAGCCGGCGGCACCCCCGCAGCAGCCACAGGCGCACACGCTGACCACGCTG-3'

ClinVar aggregate classification (germline): Likely pathogenic (1 of 4 stars; one submission).

Submission:

GeneDx
Classification: Likely pathogenic. Last evaluated: 2018-01-09. Review status: criteria provided, single submitter. Criteria: GeneDx Variant Classification (06012015). Collection method: clinical testing. Allele origin: germline. Affected: yes.
Comment: The c.1100dupC variant has not been published as a pathogenic variant, nor has it been reported as a benign variant to our knowledge. The c.1100dupC variant is not observed in large population cohorts (Lek et al., 2016). The c.1100dupC variant causes a frameshift starting with codon Glutamine 368, changes this amino acid to a Threonine residue and subsequently replaces the following 142 correct amino acids with 209 aberrant amino acids, denoted p.Gln368ThrfsX210. Based on the available evidence, this variant is likely pathogenic; however, the possibility that it is benign cannot be excluded.